The following is an entry in ClinVar:

NM_003289.4(TPM2):c.645C>T (p.Ser215=)

Gene: TPM2 (tropomyosin 2; minus strand). Cytogenetic location: 9p13.3.
Variant type: single nucleotide variant.
Coding change: c.645C>T on transcript NM_003289.4 (MANE Select); coding-DNA position 645, C replaced by T.
Protein change: p.Ser215=; no amino-acid change (serine 215 retained).
Molecular consequence: synonymous variant.
Genome position (GRCh38, 1-based): chr9:35,684,545, G>A on the plus strand (C>T on the coding strand, the complement: TPM2 is on the minus strand). VCF-style: chr9-35684545-G-A. GRCh37 (hg19) VCF-style: chr9-35684542-G-A.
Other names: c.645C>T, p.Ser215= (NM_001301226.2, NM_001301227.2, NM_213674.1); c.645C>T (NM_003289.3).
Identifiers: ClinVar variation 1095006 (VCV001095006.10), dbSNP rs1231488023, ClinGen allele CA464469512.

ClinVar aggregate classification (germline): Likely benign. Review status: criteria provided, multiple submitters, no conflicts (2 of 4 stars). 2 submissions from 2 submitters: Likely benign (2). Last evaluated 2026-05-12.

Conditions:
TPM2-related disorder. Also called: TPM2-related disorders; TPM2-related condition.
Arthrogryposis, distal, type 1A. Also called: ARTHROGRYPOSIS MULTIPLEX CONGENITA, DISTAL, TYPE I. Identifiers: Orphanet 1146, MedGen C6022280, MONDO:0007157, OMIM 108120.

Allele frequency attached by ClinVar (database versions not stated): gnomAD 0.00001; TOPMed 0.00001.
gnomAD v4.1: 4 of 1,613,960 alleles (0.00025%); highest among the groups gnomAD compares: African/African-American, 0.0013%; no homozygotes.

Submissions (2):

PreventionGenetics, part of Exact Sciences
Classification: Likely benign for TPM2-related condition. Last evaluated: 2026-05-12. Review status: criteria provided, single submitter. Criteria: ACMG Guidelines, 2015. Collection method: clinical testing. Allele origin: germline.
Comment: This variant is classified as likely benign based on ACMG/AMP sequence variant interpretation guidelines (Richards et al. 2015 PMID: 25741868, with internal and published modifications).

Labcorp Genetics (formerly Invitae), Labcorp
Classification: Likely benign for Digitotalar dysmorphism. Last evaluated: 2025-03-05. Review status: criteria provided, single submitter. Criteria: Invitae Variant Classification Sherloc (09022015). Collection method: clinical testing. Allele origin: germline.